The following is an entry in ClinVar:

ClinVar aggregate classification (germline): Pathogenic. Review status: criteria provided, single submitter (1 of 4 stars). 3 submissions from 3 submitters: Pathogenic (1). 2 of the submissions do not count toward it. Last evaluated 2025-04-11.

Conditions:
Alexander disease (ALXDRD). Also called: Alexander's disease. Identifiers: Orphanet 58, MedGen C0270726, MONDO:0008752, OMIM 203450.

Submissions (3):

GeneDx
Classification: Pathogenic. Last evaluated: 2025-04-11. Review status: criteria provided, single submitter. Criteria: GeneDx Variant Classification Process June 2021. Collection method: clinical testing. Allele origin: germline. Affected: yes.
Comment: Not observed at significant frequency in large population cohorts (gnomAD); In silico analysis supports that this missense variant has a deleterious effect on protein structure/function; This variant is associated with the following publications: (PMID: 36088400, 17604020, 15732098, 19484233, 15732097)

Epithelial Biology;  Institute of Medical Biology, Singapore
No classification provided. Review status: no classification provided. Collection method: not provided. Allele origin: not provided. Not counted in ClinVar's aggregate classification.

GeneReviews
No classification provided. Condition: Alexander disease. Review status: no classification provided. Collection method: literature only. Allele origin: germline. Not counted in ClinVar's aggregate classification.

Literature cited by the submitters: NCBI Bookshelf NBK1172 (cited by GeneReviews); PubMed 15732097 (cited by GeneReviews); PubMed 15732098 (cited by GeneReviews).

NM_002055.5(GFAP):c.704T>C (p.Leu235Pro)

Gene: GFAP (glial fibrillary acidic protein; minus strand). Cytogenetic location: 17q21.31.
Variant type: single nucleotide variant.
Coding change: c.704T>C on transcript NM_002055.5 (MANE Select); coding-DNA position 704, T replaced by C.
Protein change: p.Leu235Pro; replaces leucine 235 with proline.
Molecular consequence: missense variant.
Genome position (GRCh38, 1-based): chr17:44,913,345, A>G on the plus strand (T>C on the coding strand, the complement: GFAP is on the minus strand). VCF-style: chr17-44913345-A-G. GRCh37 (hg19) VCF-style: chr17-42990713-A-G.
Other names: c.704T>C, p.Leu235Pro (NM_001131019.3, NM_001242376.3, NM_001363846.2); short protein forms L235P.
Identifiers: ClinVar variation 66495 (VCV000066495.5), dbSNP rs60269890, ClinGen allele CA217206.